The following is an entry in ClinVar:

NM_002047.4(GARS1):c.1468-1C>G

Gene: GARS1 (glycyl-tRNA synthetase 1; plus strand). Cytogenetic location: 7p14.3.
Variant type: single nucleotide variant.
Coding change: c.1468-1C>G on transcript NM_002047.4 (MANE Select); the canonical splice acceptor site of the intron before coding-DNA position 1468, C replaced by G.
Molecular consequence: splice acceptor variant.
Genome position (GRCh38, 1-based): chr7:30,622,316, C>G. VCF-style: chr7-30622316-C-G. GRCh37 (hg19) VCF-style: chr7-30661932-C-G.
Other names: c.1306-1C>G (NM_001316772.1).
Identifiers: ClinVar variation 1316119 (VCV001316119.2), dbSNP rs2128135187, ClinGen allele CA367128484.
Genomic context (GRCh38, chr7:30,622,316, plus strand): 5'-GGCTCATTTTCTGAAATACTGAGGCAGTGCTGTAGTTTTGGATTCCTTGACTACTTCATA[C>G]AAAACAGTCAATGTTGTTCAGTTTGAACCCAGTAAGGGAGCAATTGGTAAGGCATATAAG-3'

ClinVar aggregate classification (germline): Uncertain significance (1 of 4 stars; one submission).

Submission:

GeneDx
Classification: Uncertain significance. Last evaluated: 2020-06-29. Review status: criteria provided, single submitter. Criteria: GeneDx Variant Classification Process June 2021. Collection method: clinical testing. Allele origin: germline. Affected: yes.
Comment: Not observed in large population cohorts (Lek et al., 2016); Canonical splice site variant in a gene for which loss-of-function is not a known mechanism of disease; Has not been previously published as pathogenic or benign to our knowledge